The following is an entry in ClinVar:

ClinVar aggregate classification (germline): Uncertain significance (1 of 4 stars; one submission).

Conditions:
Hereditary cancer-predisposing syndrome. Also called: Neoplastic Syndromes, Hereditary; Tumor predisposition; Hereditary Cancer Syndrome; Hereditary neoplastic syndrome. Identifiers: Orphanet 140162, MedGen C0027672, MeSH D009386, MONDO:0015356.

Submission:

Ambry Genetics
Classification: Uncertain significance for Hereditary cancer-predisposing syndrome. Last evaluated: 2022-04-30. Review status: criteria provided, single submitter. Criteria: Ambry Variant Classification Scheme 2023. Collection method: clinical testing. Allele origin: germline.
Comment: The p.G1384S variant (also known as c.4150G>A), located in coding exon 21 of the DICER1 gene, results from a G to A substitution at nucleotide position 4150. The glycine at codon 1384 is replaced by serine, an amino acid with similar properties. This amino acid position is conserved. In addition, this alteration is predicted to be deleterious by in silico analysis. Since supporting evidence is limited at this time, the clinical significance of this alteration remains unclear.

NM_177438.3(DICER1):c.4150G>A (p.Gly1384Ser)

Gene: DICER1 (dicer 1, ribonuclease III; minus strand). Cytogenetic location: 14q32.13.
Variant type: single nucleotide variant.
Coding change: c.4150G>A on transcript NM_177438.3 (MANE Select); coding-DNA position 4150, G replaced by A.
Protein change: p.Gly1384Ser; replaces glycine 1384 with serine.
Molecular consequence: missense variant. On other transcripts: non-coding transcript variant (6).
Genome position (GRCh38, 1-based): chr14:95,099,836, C>T on the plus strand (G>A on the coding strand, the complement: DICER1 is on the minus strand). VCF-style: chr14-95099836-C-T. GRCh37 (hg19) VCF-style: chr14-95566173-C-T.
Other names: c.4150G>A, p.Gly1384Ser (NM_001195573.1, NM_001271282.3, NM_001291628.2 and 13 more transcripts); c.3868G>A, p.Gly1290Ser (NM_001395686.1); c.3745G>A, p.Gly1249Ser (NM_001395687.1, NM_001395688.1, NM_001395689.1 and 2 more transcripts); c.3583G>A, p.Gly1195Ser (NM_001395691.1); c.2467G>A, p.Gly823Ser (NM_001395697.1); short protein forms G823S, G1195S, G1290S, G1249S, G1384S.
Identifiers: ClinVar variation 1738264 (VCV001738264.2), dbSNP rs2139901705, ClinGen allele CA390871925.